The following is an entry in ClinVar:

NM_000038.6(APC):c.7204A>G (p.Asn2402Asp)

Gene: APC (APC regulator of Wnt signaling pathway; plus strand). Cytogenetic location: 5q22.2.
Variant type: single nucleotide variant.
Coding change: c.7204A>G on transcript NM_000038.6 (MANE Select); coding-DNA position 7204, A replaced by G.
Protein change: p.Asn2402Asp; replaces asparagine 2402 with aspartic acid.
Molecular consequence: missense variant.
Genome position (GRCh38, 1-based): chr5:112,842,798, A>G. VCF-style: chr5-112842798-A-G. GRCh37 (hg19) VCF-style: chr5-112178495-A-G.
Other names: c.7204A>G, p.Asn2402Asp (NM_001127510.3, NM_001354895.2); c.7150A>G, p.Asn2384Asp (NM_001127511.3); c.7258A>G, p.Asn2420Asp (NM_001354896.2); c.7234A>G, p.Asn2412Asp (NM_001354897.2); c.7129A>G, p.Asn2377Asp (NM_001354898.2); c.7120A>G, p.Asn2374Asp (NM_001354899.2); c.7081A>G, p.Asn2361Asp (NM_001354900.2); c.7027A>G, p.Asn2343Asp (NM_001354901.2); and 5 more; short protein forms N2242D, N2374D, N2361D, N2412D, N2119D, N2311D, N2343D, N2384D.
Identifiers: ClinVar variation 1445798 (VCV001445798.6), dbSNP rs587780550, ClinGen allele CA16037019.

ClinVar aggregate classification (germline): Uncertain significance (1 of 4 stars; one submission).

Conditions:
Familial adenomatous polyposis 1 (FAP1). Also called: FAMILIAL ADENOMATOUS POLYPOSIS 1, ATTENUATED; POLYPOSIS, ADENOMATOUS INTESTINAL. Identifiers: MedGen C2713442, MONDO:0021056, OMIM 175100. Disease mechanism: loss of function.

Submission:

Labcorp Genetics (formerly Invitae), Labcorp
Classification: Uncertain significance for Familial adenomatous polyposis 1. Last evaluated: 2021-11-01. Review status: criteria provided, single submitter. Criteria: Invitae Variant Classification Sherloc (09022015). Collection method: clinical testing. Allele origin: germline.
Comment: In summary, the available evidence is currently insufficient to determine the role of this variant in disease. Therefore, it has been classified as a Variant of Uncertain Significance. Algorithms developed to predict the effect of missense changes on protein structure and function are either unavailable or do not agree on the potential impact of this missense change (SIFT: "Tolerated"; PolyPhen-2: "Possibly Damaging"; Align-GVGD: "Class C0"). This variant has not been reported in the literature in individuals affected with APC-related conditions. This variant is not present in population databases (gnomAD no frequency). This sequence change replaces asparagine, which is neutral and polar, with aspartic acid, which is acidic and polar, at codon 2402 of the APC protein (p.Asn2402Asp).